The following is an entry in ClinVar:

ClinVar aggregate classification (germline): Uncertain significance. Review status: criteria provided, multiple submitters, no conflicts (2 of 4 stars). 8 submissions from 8 submitters: Uncertain significance (8). Last evaluated 2026-08-04.

Conditions:
Joubert syndrome 23 (JBTS23). Identifiers: Orphanet 475, MedGen C4084822, MONDO:0014664, OMIM 616490.
Short-rib thoracic dysplasia 14 with polydactyly (SRTD14). Identifiers: Orphanet 397715, MedGen C4225286, MONDO:0014688, OMIM 616546.
Inborn genetic diseases. Identifiers: MedGen C0950123, MeSH D030342.

Allele frequency attached by ClinVar (database versions not stated): gnomAD exomes 0.00002; ExAC 0.00001; TOPMed 0.00005.
gnomAD v4.1: 85 of 1,613,170 alleles (0.0053%); highest among the groups gnomAD compares: Non-Finnish European, 0.0066%; no homozygotes.

Submissions (8):

GeneDx
Classification: Uncertain significance. Last evaluated: 2026-08-04. Review status: criteria provided, single submitter. Criteria: GeneDx Variant Classification Process June 2021. Collection method: clinical testing. Allele origin: germline.
Comment: In silico analysis supports that this missense variant has a deleterious effect on protein structure/function; Has not been previously published as pathogenic or benign to our knowledge

Greenwood Genetic Center Diagnostic Laboratories, Greenwood Genetic Center
Classification: Uncertain significance. Last evaluated: 2026-04-07. Review status: criteria provided, single submitter. Criteria: ACMG Guidelines, 2015. Collection method: clinical testing. Allele origin: germline.
Comment: PM2

Women's Health and Genetics/Laboratory Corporation of America, LabCorp
Classification: Uncertain significance. Last evaluated: 2026-01-06. Review status: criteria provided, single submitter. Criteria: LabCorp Variant Classification Summary - May 2015. Collection method: clinical testing. Allele origin: germline.
Comment: Variant summary: KIAA0586 c.927G>C (p.Arg309Ser) results in a non-conservative amino acid change in the encoded protein sequence. Algorithms developed to predict the effect of missense changes on protein structure and function are either unavailable or do not agree on the potential impact of this missense change. The variant allele was found at a frequency of 2e-05 in 248826 control chromosomes. The available data on variant occurrences in the general population are insufficient to allow any conclusion about variant significance. To our knowledge, no occurrence of c.927G>C in individuals affected with KIAA0586-related conditions and no experimental evidence demonstrating its impact on protein function have been reported. ClinVar contains an entry for this variant (Variation ID: 951834). Based on the evidence outlined above, the variant was classified as uncertain significance.

Labcorp Genetics (formerly Invitae), Labcorp
Classification: Uncertain significance for Joubert syndrome 23; Short-rib thoracic dysplasia 14 with polydactyly. Last evaluated: 2025-04-22. Review status: criteria provided, single submitter. Criteria: Invitae Variant Classification Sherloc (09022015). Collection method: clinical testing. Allele origin: germline.
Comment: This sequence change replaces arginine, which is basic and polar, with serine, which is neutral and polar, at codon 309 of the KIAA0586 protein (p.Arg309Ser). This variant is present in population databases (rs757161449, gnomAD 0.006%). This variant has not been reported in the literature in individuals affected with KIAA0586-related conditions. ClinVar contains an entry for this variant (Variation ID: 951834). Invitae Evidence Modeling of protein sequence and biophysical properties (such as structural, functional, and spatial information, amino acid conservation, physicochemical variation, residue mobility, and thermodynamic stability) indicates that this missense variant is not expected to disrupt KIAA0586 protein function with a negative predictive value of 80%. In summary, the available evidence is currently insufficient to determine the role of this variant in disease. Therefore, it has been classified as a Variant of Uncertain Significance.

Ambry Genetics
Classification: Uncertain significance for Inborn genetic diseases. Last evaluated: 2025-04-01. Review status: criteria provided, single submitter. Criteria: Ambry Variant Classification Scheme 2023. Collection method: clinical testing. Allele origin: germline.

Baylor Genetics
Classification: Uncertain significance for Joubert syndrome 23. Last evaluated: 2022-11-02. Review status: criteria provided, single submitter. Criteria: ACMG Guidelines, 2015. Collection method: clinical testing. Allele origin: unknown.

Blueprint Genetics
Classification: Uncertain significance. Last evaluated: 2022-08-01. Review status: criteria provided, single submitter. Criteria: ACMG Guidelines, 2015. Collection method: clinical testing. Allele origin: germline.

Victorian Clinical Genetics Services, Murdoch Childrens Research Institute
Classification: Uncertain significance for Joubert syndrome 23. Last evaluated: 2019-08-28. Review status: criteria provided, single submitter. Criteria: ACMG Guidelines, 2015. Collection method: clinical testing. Allele origin: germline. Inheritance: Autosomal recessive inheritance. Affected: no.
Comment: A heterozygous missense variant was identified, NM_001244189.1(KIAA0586):c.927G>C in exon 8 of 34 of the KIAA0586 gene. This substitution is predicted to create a major amino acid change from arginine to serine at position 309 of the protein, NP_001231118.1(KIAA0586):p.(Arg309Ser). The arginine at this position has low conservation (100 vertebrates, UCSC), and is located within the TALPID3 Hedgehog signalling target functional domain. In silico software predictions of the pathogenicity of this variant are conflicting (Polyphen, SIFT, CADD, Mutation Taster). The variant is present in the gnomAD population database at a frequency of 0.002% (5 heterozygotes, 0 homozygotes). An alternative residue change at the same location has been reported in the gnomAD database at a frequency of 0.0004%. The variant has been previously reported pathogenic in trans with c.1413-1G>C in a patient with Duane anomaly, macrocephaly, global developmental delay and molar tooth sign (Decipher). Based on information available at the time of curation, this variant has been classified as a VARIANT of UNCERTAIN SIGNIFICANCE (VUS) with POTENTIAL CLINICAL RELEVANCE.

NM_001329943.3(KIAA0586):c.768G>C (p.Arg256Ser)

Gene: KIAA0586 (KIAA0586; plus strand). Cytogenetic location: 14q23.1.
Variant type: single nucleotide variant.
Coding change: c.768G>C on transcript NM_001329943.3 (MANE Select); coding-DNA position 768, G replaced by C.
Protein change: p.Arg256Ser; replaces arginine 256 with serine.
Molecular consequence: missense variant.
Genome position (GRCh38, 1-based): chr14:58,444,136, G>C. VCF-style: chr14-58444136-G-C. GRCh37 (hg19) VCF-style: chr14-58910854-G-C.
Other names: c.513G>C, p.Arg171Ser (NM_001364701.2, NM_001244191.2, NM_001329945.2 and 1 more transcripts); c.768G>C, p.Arg256Ser (NM_014749.5, NM_001329944.2, NM_001329946.2 and 1 more transcripts); c.768G>C (NM_014749.3); c.927G>C, p.Arg309Ser (NM_001244189.2); c.723G>C, p.Arg241Ser (NM_001244190.2); c.636G>C, p.Arg212Ser (NM_001244192.2); c.348G>C, p.Arg116Ser (NM_001244193.2); short protein forms R171S, R116S, R212S, R241S, R256S, R309S.
Identifiers: ClinVar variation 951834 (VCV000951834.19), dbSNP rs757161449, ClinGen allele CA7205466.
Genomic context (GRCh38, chr14:58,444,136, plus strand): 5'-GAAATTACATTGTCATGATCACGAAAAGCAAATGAATGTGTTTATGGAGCAGCACATAAG[G>C]CATCTTGAAAAGTTACAACAACAACAAATAGATATTCAGGTATCTGTAATAAATCCAGTA-3'
Protein context (NP_001316872.1, residues 246-266): QMNVFMEQHI[Arg256Ser]HLEKLQQQQI